The following is an entry in ClinVar:

ClinVar aggregate classification (germline): Pathogenic. Review status: reviewed by expert panel (3 of 4 stars). 4 submissions from 4 submitters: Pathogenic (1). 3 of the submissions do not count toward it. Last evaluated 2016-10-18.

Conditions:
Hereditary breast ovarian cancer syndrome. Also called: Hereditary breast and ovarian cancer syndrome (HBOC); Breast and ovarian cancer; Hereditary breast and ovarian cancer syndrome; Hereditary breast and ovarian cancer; BRCA1- and BRCA2-Associated Hereditary Breast and Ovarian Cancer; Hereditary breast and/or ovarian cancer syndrome. Identifiers: Orphanet 145, MedGen C0677776, MeSH D061325, MONDO:0003582. Disease mechanism: loss of function.
Hereditary cancer-predisposing syndrome. Also called: Hereditary Cancer Syndrome; Neoplastic Syndromes, Hereditary; Hereditary neoplastic syndrome; Tumor predisposition. Identifiers: Orphanet 140162, MedGen C0027672, MeSH D009386, MONDO:0015356.
Breast-ovarian cancer, familial, susceptibility to, 1 (BROVCA1). Also called: BRCA1 Hereditary Breast and Ovarian Cancer; OVARIAN CANCER, SUSCEPTIBILITY TO. Identifiers: Orphanet 145, MedGen C2676676, MONDO:0011450, OMIM 604370. Disease mechanism: loss of function.

Submissions (4):

Evidence-based Network for the Interpretation of Germline Mutant Alleles (ENIGMA)
Classification: Pathogenic for Breast-ovarian cancer, familial, susceptibility to, 1. Last evaluated: 2016-10-18. Review status: reviewed by expert panel. Criteria: ENIGMA BRCA1/2 Classification Criteria (2015). Collection method: curation. Allele origin: germline.
Comment: Variant allele predicted to encode a truncated non-functional protein.

Labcorp Genetics (formerly Invitae), Labcorp
Classification: Pathogenic for Hereditary breast ovarian cancer syndrome. Last evaluated: 2020-10-28. Review status: criteria provided, single submitter. Criteria: Invitae Variant Classification Sherloc (09022015). Collection method: clinical testing. Allele origin: germline. Not counted in ClinVar's aggregate classification.
Comment: This variant has been observed in individual(s) with ovarian cancer (PMID: 30651582). ClinVar contains an entry for this variant (Variation ID: 266232). This variant is not present in population databases (ExAC no frequency). This sequence change creates a premature translational stop signal (p.Glu732Lysfs*4) in the BRCA1 gene. It is expected to result in an absent or disrupted protein product. Loss-of-function variants in BRCA1 are known to be pathogenic (PMID: 20104584). For these reasons, this variant has been classified as Pathogenic.

Ambry Genetics
Classification: Pathogenic for Hereditary cancer-predisposing syndrome. Last evaluated: 2017-05-10. Review status: criteria provided, single submitter. Criteria: Ambry Variant Classification Scheme 2023. Collection method: clinical testing. Allele origin: germline. Not counted in ClinVar's aggregate classification.
Comment: The c.2193delA pathogenic mutation, located in coding exon 9 of the BRCA1 gene, results from a deletion of one nucleotide at nucleotide position 2193, causing a translational frameshift with a predicted alternate stop codon (p.E732Kfs*4). This alteration is expected to result in loss of function by premature protein truncation or nonsense-mediated mRNA decay. As such, this alteration is interpreted as a disease-causing mutation.

Consortium of Investigators of Modifiers of BRCA1/2 (CIMBA), c/o University of Cambridge
Classification: Pathogenic for Breast-ovarian cancer, familial, susceptibility to, 1. Last evaluated: 2015-10-02. Review status: criteria provided, single submitter. Criteria: CIMBA Mutation Classification guidelines May 2016. Collection method: clinical testing. Allele origin: germline. Not counted in ClinVar's aggregate classification.

Literature cited by the submitters: PubMed 30651582 (cited by Labcorp Genetics (formerly Invitae), Labcorp); PubMed 20104584 (cited by Labcorp Genetics (formerly Invitae), Labcorp).

NM_007294.4(BRCA1):c.2193del (p.Glu732fs)

Gene: BRCA1 (BRCA1 DNA repair associated; minus strand). Cytogenetic location: 17q21.31.
Variant type: Deletion.
Coding change: c.2193del on transcript NM_007294.4 (MANE Select); coding-DNA position 2193, one base deleted (A; older notation c.2193delA).
Protein change: p.Glu732fs; shifts the reading frame from glutamic acid 732.
Molecular consequence: frameshift variant. On other transcripts: intron variant (137).
Genome position (GRCh38, 1-based): chr17:43,093,338, T deleted on the plus strand (A on the coding strand, the reverse complement: BRCA1 is on the minus strand); the first of 5 consecutive T bases (chr17:43,093,338-43,093,342); deleting any one gives the same sequence. VCF-style (leftmost placement, unchanged base first): chr17-43093337-CT-C. GRCh37 (hg19) VCF-style: chr17-41245354-CT-C.
Other names: 2312delA; c.2193delA (NM_007294.3); c.1980del, p.Glu661fs (NM_001407571.1, NM_001407853.1, NM_001407894.1 and 9 more transcripts); c.2193del, p.Glu732fs (NM_001407581.1, NM_001407582.1, NM_001407583.1 and 30 more transcripts); c.2190del, p.Glu731fs (NM_001407587.1, NM_001407590.1, NM_001407591.1 and 22 more transcripts); c.2184del, p.Glu729fs (NM_001407646.1, NM_001407647.1); c.2070del, p.Glu691fs (NM_001407648.1, NM_001407664.1, NM_001407665.1 and 19 more transcripts); c.2067del, p.Glu690fs (NM_001407649.1, NM_001407670.1, NM_001407671.1 and 11 more transcripts); and 43 more; short protein forms E685fs, E732fs, E621fs, E643fs, E684fs, E691fs, E706fs, E436fs.
Identifiers: ClinVar variation 266232 (VCV000266232.18), dbSNP rs886040009, ClinGen allele CA10589881.